The following is an entry in ClinVar:

ClinVar aggregate classification (germline): Uncertain significance. Review status: criteria provided, multiple submitters, no conflicts (2 of 4 stars). 2 submissions from 2 submitters: Uncertain significance (2). Last evaluated 2022-03-18.

Conditions:
Brody myopathy. Also called: BRODY DISEASE. Identifiers: Orphanet 53347, MedGen C1832918, MONDO:0010977, OMIM 601003.

Submissions (2):

Labcorp Genetics (formerly Invitae), Labcorp
Classification: Uncertain significance for Brody myopathy. Last evaluated: 2022-03-18. Review status: criteria provided, single submitter. Criteria: Invitae Variant Classification Sherloc (09022015). Collection method: clinical testing. Allele origin: germline.
Comment: Algorithms developed to predict the effect of missense changes on protein structure and function are either unavailable or do not agree on the potential impact of this missense change (SIFT: "Deleterious"; PolyPhen-2: "Probably Damaging"; Align-GVGD: "Class C0"). In summary, the available evidence is currently insufficient to determine the role of this variant in disease. Therefore, it has been classified as a Variant of Uncertain Significance. ClinVar contains an entry for this variant (Variation ID: 318770). This sequence change replaces alanine, which is neutral and non-polar, with threonine, which is neutral and polar, at codon 313 of the ATP2A1 protein (p.Ala313Thr). This variant is not present in population databases (gnomAD no frequency). This variant has not been reported in the literature in individuals affected with ATP2A1-related conditions.

Illumina Laboratory Services, Illumina
Classification: Uncertain significance for Brody myopathy. Last evaluated: 2018-01-13. Review status: criteria provided, single submitter. Criteria: ICSL Variant Classification Criteria 13 December 2019. Collection method: clinical testing. Allele origin: germline.

NM_004320.6(ATP2A1):c.937G>A (p.Ala313Thr)

Gene: ATP2A1 (ATPase sarcoplasmic/endoplasmic reticulum Ca2+ transporting 1; plus strand). Cytogenetic location: 16p11.2.
Variant type: single nucleotide variant.
Coding change: c.937G>A on transcript NM_004320.6 (MANE Select); coding-DNA position 937, G replaced by A.
Protein change: p.Ala313Thr; replaces alanine 313 with threonine.
Molecular consequence: missense variant.
Genome position (GRCh38, 1-based): chr16:28,888,795, G>A. VCF-style: chr16-28888795-G-A. GRCh37 (hg19) VCF-style: chr16-28900116-G-A.
Other names: c.562G>A, p.Ala188Thr (NM_001286075.2); c.937G>A, p.Ala313Thr (NM_173201.5); short protein forms A313T, A188T.
Identifiers: ClinVar variation 318770 (VCV000318770.10), dbSNP rs762549353, ClinGen allele CA10637515.